The following is an entry in ClinVar:

NM_000169.3(GLA):c.1016T>A (p.Val339Glu)

Genes: GLA (galactosidase alpha; minus strand), RPL36A-HNRNPH2 (RPL36A-HNRNPH2 readthrough; plus strand). Cytogenetic location: Xq22.1.
Variant type: single nucleotide variant.
Coding change: c.1016T>A on transcript NM_000169.3 (MANE Select); coding-DNA position 1016, T replaced by A.
Protein change: p.Val339Glu; replaces valine 339 with glutamic acid.
Molecular consequence: missense variant. On other transcripts: non-coding transcript variant (3), intron variant (2).
Genome position (GRCh38, 1-based): chrX:101,398,083, A>T on the plus strand (T>A on the coding strand, the complement: GLA is on the minus strand). VCF-style: chrX-101398083-A-T. GRCh37 (hg19) VCF-style: chrX-100653071-A-T.
Other names: c.1139T>A, p.Val380Glu (NM_001406747.1); c.300+2626A>T (NM_001199973.2); c.177+6261A>T (NM_001199974.2); short protein forms V380E, V339E.
Identifiers: ClinVar variation 2907591 (VCV002907591.5), dbSNP rs869312211, ClinGen allele CA413921217.

ClinVar aggregate classification (germline): Uncertain significance. Review status: criteria provided, multiple submitters, no conflicts (2 of 4 stars). 2 submissions from 2 submitters: Uncertain significance (2). Last evaluated 2026-09-08.

Conditions:
Fabry disease. Also called: ALPHA-GALACTOSIDASE A DEFICIENCY; ANDERSON-FABRY DISEASE; CERAMIDE TRIHEXOSIDASE DEFICIENCY; Angiokeratoma corporis diffusum; Fabry's disease; Ceramide trihexosidosis. Identifiers: Orphanet 324, MedGen C0002986, MONDO:0010526, OMIM 301500, HP:0001071. Disease mechanism: Fabry disease is due to inactivating mutations in the X-linked GLA gene resulting in deficiency of the enzyme Alpha Galactosidase-A., loss of function.

Submissions (2):

Genomenon, Inc
Classification: Uncertain significance for Fabry disease. Last evaluated: 2026-09-08. Review status: criteria provided, single submitter. Criteria: Genomenon Sequence Variant Interpretation Standards - Updated. Collection method: curation. Allele origin: germline. Affected: yes.
Comment: GLA p.Val339Glu (c.1016T>A) is a missense variant that changes the amino acid at codon 339 from Valine to Glutamic acid. This variant has been observed in at least one proband with clinical features consistent with Fabry disease (PMID:30988410). Functional or patient cell studies have been reported (PMID:27657681). It is absent or not present at a significant frequency in gnomAD. In silico models predict that this variant is possibly or probably damaging. In conclusion, we classify GLA p.Val339Glu (c.1016T>A) as a variant of uncertain significance.

Labcorp Genetics (formerly Invitae), Labcorp
Classification: Uncertain significance for Fabry disease. Last evaluated: 2022-11-08. Review status: criteria provided, single submitter. Criteria: Invitae Variant Classification Sherloc (09022015). Collection method: clinical testing. Allele origin: germline.
Comment: In summary, the available evidence is currently insufficient to determine the role of this variant in disease. Therefore, it has been classified as a Variant of Uncertain Significance. This variant disrupts the p.Val339 amino acid residue in GLA. Other variant(s) that disrupt this residue have been observed in individuals with GLA-related conditions (PMID: 31860127), which suggests that this may be a clinically significant amino acid residue. Advanced modeling of protein sequence and biophysical properties (such as structural, functional, and spatial information, amino acid conservation, physicochemical variation, residue mobility, and thermodynamic stability) performed at Invitae indicates that this missense variant is expected to disrupt GLA protein function. This missense change has been observed in individual(s) with Fabry disease (PMID: 30988410). This variant is not present in population databases (gnomAD no frequency). This sequence change replaces valine, which is neutral and non-polar, with glutamic acid, which is acidic and polar, at codon 339 of the GLA protein (p.Val339Glu).

Literature cited by the submitters: PubMed 30988410 (cited by Genomenon, Inc and Labcorp Genetics (formerly Invitae), Labcorp); PubMed 27657681 (cited by Genomenon, Inc); PubMed 31860127 (cited by Labcorp Genetics (formerly Invitae), Labcorp).